The following is an entry in ClinVar:

NM_001365536.1(SCN9A):c.1028G>A (p.Ser343Asn)

Genes: SCN1A-AS1 (SCN1A and SCN9A antisense RNA 1; plus strand), SCN9A (sodium voltage-gated channel alpha subunit 9; minus strand). Cytogenetic location: 2q24.3.
Variant type: single nucleotide variant.
Coding change: c.1028G>A on transcript NM_001365536.1 (MANE Select); coding-DNA position 1028, G replaced by A.
Protein change: p.Ser343Asn; replaces serine 343 with asparagine.
Molecular consequence: missense variant.
Genome position (GRCh38, 1-based): chr2:166,293,310, C>T on the plus strand (G>A on the coding strand, the complement: SCN9A is on the minus strand). VCF-style: chr2-166293310-C-T. GRCh37 (hg19) VCF-style: chr2-167149820-C-T.
Other names: c.1028G>A, p.Ser343Asn (NM_002977.4); short protein forms S343N.
Identifiers: ClinVar variation 1381511 (VCV001381511.8), dbSNP rs550153663, ClinGen allele CA59806970.

ClinVar aggregate classification (germline): Uncertain significance. Review status: criteria provided, multiple submitters, no conflicts (2 of 4 stars). 2 submissions from 2 submitters: Uncertain significance (2). Last evaluated 2026-01-13.

Conditions:
Neuropathy, hereditary sensory and autonomic, type 2A (HSAN2A). Also called: WNK1-Related HSAN2 (HSAN2A); MORVAN DISEASE; NEUROPATHY, CONGENITAL SENSORY; NEUROPATHY, HEREDITARY SENSORY RADICULAR, AUTOSOMAL RECESSIVE; NEUROPATHY, HEREDITARY SENSORY, TYPE IIA; NEUROPATHY, PROGRESSIVE SENSORY, OF CHILDREN. Identifiers: Orphanet 970, MedGen C2752089, MONDO:0024309, OMIM 201300.
Generalized epilepsy with febrile seizures plus, type 7 (GEFSP7). Also called: GEFS+, TYPE 7. Identifiers: Orphanet 36387, MedGen C2751778, MONDO:0013470, OMIM 613863.

Allele frequency attached by ClinVar (database versions not stated): gnomAD 0.00001; 1000 Genomes Project 0.00020; 1000 Genomes Project 30x 0.00031.
gnomAD v4.1: 3 of 1,606,560 alleles (0.00019%); highest among the groups gnomAD compares: South Asian, 0.0022%; no homozygotes.

Submissions (2):

Labcorp Genetics (formerly Invitae), Labcorp
Classification: Uncertain significance for Neuropathy, hereditary sensory and autonomic, type 2A; Generalized epilepsy with febrile seizures plus, type 7. Last evaluated: 2026-01-13. Review status: criteria provided, single submitter. Criteria: Invitae Variant Classification Sherloc (09022015). Collection method: clinical testing. Allele origin: germline.
Comment: This sequence change replaces serine, which is neutral and polar, with asparagine, which is neutral and polar, at codon 343 of the SCN9A protein (p.Ser343Asn). This variant is not present in population databases (gnomAD no frequency). This variant has not been reported in the literature in individuals affected with SCN9A-related conditions. ClinVar contains an entry for this variant (Variation ID: 1381511). Invitae Evidence Modeling of protein sequence and biophysical properties (such as structural, functional, and spatial information, amino acid conservation, physicochemical variation, residue mobility, and thermodynamic stability) indicates that this missense variant is not expected to disrupt SCN9A protein function with a negative predictive value of 95%. In summary, the available evidence is currently insufficient to determine the role of this variant in disease. Therefore, it has been classified as a Variant of Uncertain Significance.

Revvity Omics, Revvity
Classification: Uncertain significance. Last evaluated: 2023-11-10. Review status: criteria provided, single submitter. Criteria: ACMG Guidelines, 2015. Collection method: clinical testing. Allele origin: germline.